The following is an entry in ClinVar:

NM_004415.4(DSP):c.7526C>T (p.Thr2509Met)

Gene: DSP (desmoplakin; plus strand). Cytogenetic location: 6p24.3.
Variant type: single nucleotide variant.
Coding change: c.7526C>T on transcript NM_004415.4 (MANE Select); coding-DNA position 7526, C replaced by T.
Protein change: p.Thr2509Met; replaces threonine 2509 with methionine.
Molecular consequence: missense variant.
Genome position (GRCh38, 1-based): chr6:7,584,788, C>T. VCF-style: chr6-7584788-C-T. GRCh37 (hg19) VCF-style: chr6-7585021-C-T.
Other names: c.5729C>T, p.Thr1910Met (NM_001008844.3); c.6197C>T, p.Thr2066Met (NM_001319034.2); short protein forms T2066M, T1910M, T2509M.
Identifiers: ClinVar variation 2930159 (VCV002930159.4), dbSNP rs1181097113, ClinGen allele CA362693218.
Genomic context (GRCh38, chr6:7,584,788, plus strand): 5'-ATTATGAAACCTTCAAAGAACTGTGTGAGCAGGAATGTGAATGGGAAGAAATAACCATCA[C>T]GGGATCAGATGGCTCCACCAGGGTGGTCCTGGTAGATAGAAAGACAGGCAGTCAGTATGA-3'
Protein context (NP_004406.2, residues 2499-2519): QECEWEEITI[Thr2509Met]GSDGSTRVVL

ClinVar aggregate classification (germline): Uncertain significance. Review status: criteria provided, multiple submitters, no conflicts (2 of 4 stars). 2 submissions from 2 submitters: Uncertain significance (2). Last evaluated 2025-10-11.

Conditions:
Cardiovascular phenotype. Identifiers: MedGen CN230736.
Arrhythmogenic cardiomyopathy with wooly hair and keratoderma. Also called: Arrhythmogenic cardiomyopathy with woolly hair and keratoderma; Dilated cardiomyopathy with woolly hair and keratoderma; PALMOPLANTAR KERATODERMA WITH LEFT VENTRICULAR CARDIOMYOPATHY AND WOOLLY HAIR; Carvajal syndrome. Identifiers: Orphanet 65282, MedGen C1854063, MONDO:0011581, OMIM 605676.
Arrhythmogenic right ventricular dysplasia 8 (ARVD8). Also called: Arrhythmogenic Right Ventricular Dysplasia/Cardiomyopathy 8; ARRHYTHMOGENIC RIGHT VENTRICULAR DYSPLASIA, FAMILIAL, 8; ARRHYTHMOGENIC RIGHT VENTRICULAR CARDIOMYOPATHY 8. Identifiers: MedGen C1843896, MONDO:0011831, OMIM 607450.

Allele frequency attached by ClinVar (database versions not stated): TOPMed below 0.00001; gnomAD 0.00001.
gnomAD v4.1: 5 of 1,614,062 alleles (0.00031%); highest among the groups gnomAD compares: Admixed American, 0.0017%; no homozygotes.

Submissions (2):

Ambry Genetics
Classification: Uncertain significance for Cardiovascular phenotype. Last evaluated: 2025-10-11. Review status: criteria provided, single submitter. Criteria: Ambry Variant Classification Scheme 2023. Collection method: clinical testing. Allele origin: germline.
Comment: The p.T2509M variant (also known as c.7526C>T), located in coding exon 24 of the DSP gene, results from a C to T substitution at nucleotide position 7526. The threonine at codon 2509 is replaced by methionine, an amino acid with similar properties. This amino acid position is conserved. In addition, this alteration is predicted to be tolerated by in silico analysis. Based on the available evidence, the clinical significance of this variant remains unclear.

Labcorp Genetics (formerly Invitae), Labcorp
Classification: Uncertain significance for Arrhythmogenic cardiomyopathy with wooly hair and keratoderma; Arrhythmogenic right ventricular dysplasia 8. Last evaluated: 2025-05-12. Review status: criteria provided, single submitter. Criteria: Invitae Variant Classification Sherloc (09022015). Collection method: clinical testing. Allele origin: germline.
Comment: This sequence change replaces threonine, which is neutral and polar, with methionine, which is neutral and non-polar, at codon 2509 of the DSP protein (p.Thr2509Met). This variant is present in population databases (no rsID available, gnomAD 0.004%). This variant has not been reported in the literature in individuals affected with DSP-related conditions. ClinVar contains an entry for this variant (Variation ID: 2930159). An algorithm developed to predict the effect of missense changes on protein structure and function (PolyPhen-2) suggests that this variant is likely to be disruptive. In summary, the available evidence is currently insufficient to determine the role of this variant in disease. Therefore, it has been classified as a Variant of Uncertain Significance.